The following is an entry in ClinVar:

NM_001987.5(ETV6):c.1246T>A (p.Leu416Met)

Gene: ETV6 (ETS variant transcription factor 6; plus strand). Cytogenetic location: 12p13.2.
Variant type: single nucleotide variant.
Coding change: c.1246T>A on transcript NM_001987.5 (MANE Select); coding-DNA position 1246, T replaced by A.
Protein change: p.Leu416Met; replaces leucine 416 with methionine.
Molecular consequence: missense variant. On other transcripts: intron variant (1).
Genome position (GRCh38, 1-based): chr12:11,886,019, T>A. VCF-style: chr12-11886019-T-A. GRCh37 (hg19) VCF-style: chr12-12038953-T-A.
Other names: c.1243T>A, p.Leu415Met (NM_001413913.1); c.1219T>A, p.Leu407Met (NM_001413914.1); c.982T>A, p.Leu328Met (NM_001413915.1); c.1010-4922T>A (NM_001413917.1); short protein forms L415M, L416M, L328M, L407M.
Identifiers: ClinVar variation 4020043 (VCV004020043.1).

ClinVar aggregate classification (germline): Uncertain significance (1 of 4 stars; one submission).

Conditions:
Inborn genetic diseases. Identifiers: MedGen C0950123, MeSH D030342.

gnomAD v4.1: 2 of 1,611,268 alleles (0.00012%); highest among the groups gnomAD compares: Middle Eastern, 0.017%; no homozygotes.

Submission:

Ambry Genetics
Classification: Uncertain significance for Inborn genetic diseases. Last evaluated: 2025-03-20. Review status: criteria provided, single submitter. Criteria: Ambry Variant Classification Scheme 2023. Collection method: clinical testing. Allele origin: germline.
Comment: The p.L416M variant (also known as c.1246T>A), located in coding exon 7 of the ETV6 gene, results from a T to A substitution at nucleotide position 1246. The leucine at codon 416 is replaced by methionine, an amino acid with highly similar properties. This amino acid position is highly conserved in available vertebrate species. In addition, this alteration is predicted to be tolerated by in silico analysis. Based on the available evidence, the clinical significance of this variant remains unclear.